The following is an entry in ClinVar:

ClinVar aggregate classification (germline): Uncertain significance (1 of 4 stars; one submission).

gnomAD v4.1: 14 of 1,613,652 alleles (0.00087%); highest among the groups gnomAD compares: Non-Finnish European, 0.0012%; no homozygotes.

Submission:

Labcorp Genetics (formerly Invitae), Labcorp
Classification: Uncertain significance. Last evaluated: 2023-08-01. Review status: criteria provided, single submitter. Criteria: Invitae Variant Classification Sherloc (09022015). Collection method: clinical testing. Allele origin: germline.
Comment: Advanced modeling of protein sequence and biophysical properties (such as structural, functional, and spatial information, amino acid conservation, physicochemical variation, residue mobility, and thermodynamic stability) performed at Invitae indicates that this missense variant is expected to disrupt DDX58 protein function. In summary, the available evidence is currently insufficient to determine the role of this variant in disease. Therefore, it has been classified as a Variant of Uncertain Significance. This variant has not been reported in the literature in individuals affected with DDX58-related conditions. This variant is present in population databases (no rsID available, gnomAD 0.0009%). This sequence change replaces alanine, which is neutral and non-polar, with aspartic acid, which is acidic and polar, at codon 696 of the DDX58 protein (p.Ala696Asp).

NM_014314.4(RIGI):c.2087C>A (p.Ala696Asp)

Gene: RIGI (RNA sensor RIG-I; minus strand). Cytogenetic location: 9p21.1.
Variant type: single nucleotide variant.
Coding change: c.2087C>A on transcript NM_014314.4 (MANE Select); coding-DNA position 2087, C replaced by A.
Protein change: p.Ala696Asp; replaces alanine 696 with aspartic acid.
Molecular consequence: missense variant. On other transcripts: intron variant (1).
Genome position (GRCh38, 1-based): chr9:32,467,860, G>T on the plus strand (C>A on the coding strand, the complement: RIGI is on the minus strand). VCF-style: chr9-32467860-G-T. GRCh37 (hg19) VCF-style: chr9-32467858-G-T.
Other names: c.2081C>A, p.Ala694Asp (NM_001385907.1); c.1646C>A, p.Ala549Asp (NM_001385910.1); c.1478C>A, p.Ala493Asp (NM_001385912.1); c.2072C>A, p.Ala691Asp (NM_001385913.1); c.1643C>A, p.Ala548Asp (NM_001385914.1); c.2015-1419C>A (NM_001385909.1); short protein forms A548D, A549D, A691D, A696D, A493D, A694D.
Identifiers: ClinVar variation 2785517 (VCV002785517.3), dbSNP rs1217425127, ClinGen allele CA373146208.